The following is an entry in ClinVar:

NM_000057.4(BLM):c.1583del (p.Thr528fs)

Gene: BLM (BLM RecQ like helicase; plus strand). Cytogenetic location: 15q26.1.
Variant type: Deletion.
Coding change: c.1583del on transcript NM_000057.4 (MANE Select); coding-DNA position 1583, one base deleted (C; older notation c.1583delC).
Protein change: p.Thr528fs; shifts the reading frame from threonine 528.
Molecular consequence: frameshift variant.
Genome position (GRCh38, 1-based): chr15:90,760,956, C deleted. VCF-style (leftmost placement, unchanged base first): chr15-90760955-AC-A. GRCh37 (hg19) VCF-style: chr15-91304185-AC-A.
Other names: c.1583del, p.Thr528fs (NM_001287246.2, NM_001287247.2); c.458del, p.Thr153fs (NM_001287248.2); short protein forms T153fs, T528fs.
Identifiers: ClinVar variation 4724693 (VCV004724693.1).

ClinVar aggregate classification (germline): Pathogenic (1 of 4 stars; one submission).

Conditions:
Bloom syndrome (BLM). Also called: Bloom-Torre-Machacek syndrome. Identifiers: Orphanet 125, MedGen C0005859, MONDO:0008876, OMIM 210900.

Submission:

Labcorp Genetics (formerly Invitae), Labcorp
Classification: Pathogenic for Bloom syndrome. Last evaluated: 2025-08-03. Review status: criteria provided, single submitter. Criteria: Invitae Variant Classification Sherloc (09022015). Collection method: clinical testing. Allele origin: germline.
Comment: This sequence change creates a premature translational stop signal (p.Thr528Metfs*3) in the BLM gene. It is expected to result in an absent or disrupted protein product. Loss-of-function variants in BLM are known to be pathogenic (PMID: 17407155). This variant is not present in population databases (gnomAD no frequency). This variant has not been reported in the literature in individuals affected with BLM-related conditions. For these reasons, this variant has been classified as Pathogenic.

Literature cited by the submitters: PubMed 17407155.